The following is an entry in ClinVar:

ClinVar aggregate classification (germline): Uncertain significance. Review status: criteria provided, multiple submitters, no conflicts (2 of 4 stars). 2 submissions from 2 submitters: Uncertain significance (2). Last evaluated 2025-12-24.

Conditions:
Inborn genetic diseases. Identifiers: MedGen C0950123, MeSH D030342.

Allele frequency attached by ClinVar (database versions not stated): gnomAD exomes below 0.00001; ExAC 0.00001.
gnomAD v4.1: 2 of 1,614,106 alleles (0.00012%); no homozygotes.

Submissions (2):

Labcorp Genetics (formerly Invitae), Labcorp
Classification: Uncertain significance. Last evaluated: 2025-12-24. Review status: criteria provided, single submitter. Criteria: Invitae Variant Classification Sherloc (09022015). Collection method: clinical testing. Allele origin: germline.
Comment: This sequence change replaces phenylalanine, which is neutral and non-polar, with valine, which is neutral and non-polar, at codon 3555 of the ANK3 protein (p.Phe3555Val). This variant is present in population databases (rs746842936, gnomAD 0.01%). This variant has not been reported in the literature in individuals affected with ANK3-related conditions. ClinVar contains an entry for this variant (Variation ID: 2462205). Invitae Evidence Modeling of protein sequence and biophysical properties (such as structural, functional, and spatial information, amino acid conservation, physicochemical variation, residue mobility, and thermodynamic stability) has been performed for this missense variant. However, the output from this modeling did not meet the statistical confidence thresholds required to predict the impact of this variant on ANK3 protein function. In summary, the available evidence is currently insufficient to determine the role of this variant in disease. Therefore, it has been classified as a Variant of Uncertain Significance.

Ambry Genetics
Classification: Uncertain significance for Inborn genetic diseases. Last evaluated: 2023-02-16. Review status: criteria provided, single submitter. Criteria: Ambry Variant Classification Scheme 2023. Collection method: clinical testing. Allele origin: germline.

NM_020987.5(ANK3):c.10663T>G (p.Phe3555Val)

Gene: ANK3 (ankyrin 3; minus strand). Cytogenetic location: 10q21.2.
Variant type: single nucleotide variant.
Coding change: c.10663T>G on transcript NM_020987.5 (MANE Select); coding-DNA position 10663, T replaced by G.
Protein change: p.Phe3555Val; replaces phenylalanine 3555 with valine.
Molecular consequence: missense variant. On other transcripts: intron variant (4).
Genome position (GRCh38, 1-based): chr10:60,070,218, A>C on the plus strand (T>G on the coding strand, the complement: ANK3 is on the minus strand). VCF-style: chr10-60070218-A-C. GRCh37 (hg19) VCF-style: chr10-61829976-A-C.
Other names: c.4388-2209T>G (NM_001204403.2); c.4409-2209T>G (NM_001204404.2); c.4406-2209T>G (NM_001320874.2); c.1808-2209T>G (NM_001149.4); short protein forms F3555V.
Identifiers: ClinVar variation 2462205 (VCV002462205.3), dbSNP rs746842936, ClinGen allele CA5511219.